The following is an entry in ClinVar:

NM_000256.3(MYBPC3):c.202G>A (p.Val68Met)

Gene: MYBPC3 (myosin binding protein C3; minus strand). Cytogenetic location: 11p11.2.
Variant type: single nucleotide variant.
Coding change: c.202G>A on transcript NM_000256.3 (MANE Select); coding-DNA position 202, G replaced by A.
Protein change: p.Val68Met; replaces valine 68 with methionine.
Molecular consequence: missense variant.
Genome position (GRCh38, 1-based): chr11:47,351,329, C>T on the plus strand (G>A on the coding strand, the complement: MYBPC3 is on the minus strand). VCF-style: chr11-47351329-C-T. GRCh37 (hg19) VCF-style: chr11-47372880-C-T.
Other names: c.202G>A, p.Val68Met (LRG_386t1); short protein forms V68M.
Identifiers: ClinVar variation 626785 (VCV000626785.7), dbSNP rs1199851911, ClinGen allele CA380341726.

ClinVar aggregate classification (germline): Uncertain significance. Review status: criteria provided, multiple submitters, no conflicts (2 of 4 stars). 2 submissions from 2 submitters: Uncertain significance (2). Last evaluated 2022-08-16.

Conditions:
Cardiomyopathy (CMYO). Also called: Cardiomyopathies. Identifiers: Orphanet 167848, MedGen C0878544, MONDO:0004994, HP:0001638. Inheritance: Various modes of inheritance.
Hypertrophic cardiomyopathy. Also called: HYPERTROPHIC MYOCARDIOPATHY. Identifiers: Orphanet 217569, MedGen C0007194, MeSH D002312, MONDO:0005045, HP:0001639.

Allele frequency attached by ClinVar (database versions not stated): gnomAD below 0.00001 and 0.00001; gnomAD exomes below 0.00001.

Submissions (2):

Labcorp Genetics (formerly Invitae), Labcorp
Classification: Uncertain significance for Hypertrophic cardiomyopathy. Last evaluated: 2022-08-16. Review status: criteria provided, single submitter. Criteria: Invitae Variant Classification Sherloc (09022015). Collection method: clinical testing. Allele origin: germline.
Comment: This sequence change replaces valine, which is neutral and non-polar, with methionine, which is neutral and non-polar, at codon 68 of the MYBPC3 protein (p.Val68Met). This variant is present in population databases (no rsID available, gnomAD 0.007%). This variant has not been reported in the literature in individuals affected with MYBPC3-related conditions. ClinVar contains an entry for this variant (Variation ID: 626785). Algorithms developed to predict the effect of missense changes on protein structure and function are either unavailable or do not agree on the potential impact of this missense change (SIFT: "Deleterious"; PolyPhen-2: "Probably Damaging"; Align-GVGD: "Class C0"). In summary, the available evidence is currently insufficient to determine the role of this variant in disease. Therefore, it has been classified as a Variant of Uncertain Significance.

CHEO Genetics Diagnostic Laboratory, Children's Hospital of Eastern Ontario
Classification: Uncertain significance for Cardiomyopathy. Last evaluated: 2015-11-30. Review status: criteria provided, single submitter. Criteria: ACMG Guidelines, 2015. Collection method: clinical testing. Allele origin: germline. Study: Canadian Open Genetics Repository.